The following is an entry in ClinVar:

NM_139285.4(GAS2L2):c.140G>A (p.Gly47Glu)

Gene: GAS2L2 (growth arrest specific 2 like 2; minus strand). Cytogenetic location: 17q12.
Variant type: single nucleotide variant.
Coding change: c.140G>A on transcript NM_139285.4 (MANE Select); coding-DNA position 140, G replaced by A.
Protein change: p.Gly47Glu; replaces glycine 47 with glutamic acid.
Molecular consequence: missense variant.
Genome position (GRCh38, 1-based): chr17:35,752,711, C>T on the plus strand (G>A on the coding strand, the complement: GAS2L2 is on the minus strand). VCF-style: chr17-35752711-C-T. GRCh37 (hg19) VCF-style: chr17-34079730-C-T.
Other names: short protein forms G47E.
Identifiers: ClinVar variation 4978082 (VCV004978082.1).

ClinVar aggregate classification (germline): Uncertain significance (1 of 4 stars; one submission).

Conditions:
GAS2L2-related disorder. Also called: GAS2L2-related condition.

gnomAD v4.1: 1,861 of 1,613,988 alleles (0.12%); highest among the groups gnomAD compares: Admixed American, 0.15%; 2 homozygotes.

Submission:

PreventionGenetics, part of Exact Sciences
Classification: Uncertain significance for GAS2L2-related condition. Last evaluated: 2025-03-22. Review status: criteria provided, single submitter. Criteria: ACMG Guidelines, 2015. Collection method: clinical testing. Allele origin: germline.
Comment: The GAS2L2 c.140G>A variant is predicted to result in the amino acid substitution p.Gly47Glu. To our knowledge, this variant has not been reported in the literature. This variant is reported in 0.11% of alleles in individuals of Latino descent in gnomAD, which may be too common to be causative. Although we suspect that this variant may be benign, at this time, the clinical significance of this variant is uncertain due to the absence of conclusive functional and genetic evidence.